The following is an entry in ClinVar:

NM_015500.2(C2CD2):c.558G>A (p.Pro186=)

Gene: C2CD2 (C2 calcium dependent domain containing 2; minus strand). Cytogenetic location: 21q22.3.
Variant type: single nucleotide variant.
Coding change: c.558G>A on transcript NM_015500.2 (MANE Select); coding-DNA position 558, G replaced by A.
Protein change: p.Pro186=; no amino-acid change (proline 186 retained).
Molecular consequence: synonymous variant.
Genome position (GRCh38, 1-based): chr21:41,918,895, C>T on the plus strand (G>A on the coding strand, the complement: C2CD2 is on the minus strand). VCF-style: chr21-41918895-C-T. GRCh37 (hg19) VCF-style: chr21-43339004-C-T.
Other names: c.558G>A, p.Pro186= (NM_198997.1); c.93G>A, p.Pro31= (NM_199050.3).
Identifiers: ClinVar variation 2652694 (VCV002652694.24), dbSNP rs201752704, ClinGen allele CA10038240.

ClinVar aggregate classification (germline): Likely benign (1 of 4 stars; one submission).

Allele frequency attached by ClinVar (database versions not stated): gnomAD 0.00005; TOPMed 0.00005; gnomAD exomes 0.00006; ExAC 0.00012.
gnomAD v4.1: 98 of 1,614,024 alleles (0.0061%); highest among the groups gnomAD compares: South Asian, 0.011%; no homozygotes.

Submission:

CeGaT Center for Human Genetics Tuebingen
Classification: Likely benign. Last evaluated: 2023-04-01. Review status: criteria provided, single submitter. Criteria: CeGaT Center For Human Genetics Tuebingen Variant Classification Criteria Version 2. Collection method: clinical testing. Allele origin: germline. Affected: yes. Observed: 1 variant allele.
Comment: C2CD2: BP4, BP7